The following is an entry in ClinVar:

ClinVar aggregate classification (germline): Uncertain significance (0 of 4 stars; one submission).

Conditions:
NRP2-related disorder. Also called: NRP2-related condition.

gnomAD v4.1: 2 of 1,611,446 alleles (0.00012%); highest among the groups gnomAD compares: Non-Finnish European, 0.00017%; no homozygotes.

Submission:

PreventionGenetics, part of Exact Sciences
Classification: Uncertain significance for NRP2-related condition. Last evaluated: 2024-01-29. Review status: no assertion criteria provided. Collection method: clinical testing. Allele origin: germline.
Comment: The NRP2 c.73G>A variant is predicted to result in the amino acid substitution p.Asp25Asn. To our knowledge, this variant has not been reported in the literature or in a large population database, indicating this variant is rare. At this time, the clinical significance of this variant is uncertain due to the absence of conclusive functional and genetic evidence.

NM_003872.3(NRP2):c.73G>A (p.Asp25Asn)

Gene: NRP2 (neuropilin 2; plus strand). Cytogenetic location: 2q33.3.
Variant type: single nucleotide variant.
Coding change: c.73G>A on transcript NM_003872.3 (MANE Select); coding-DNA position 73, G replaced by A.
Protein change: p.Asp25Asn; replaces aspartic acid 25 with asparagine.
Molecular consequence: missense variant.
Genome position (GRCh38, 1-based): chr2:205,683,363, G>A. VCF-style: chr2-205683363-G-A. GRCh37 (hg19) VCF-style: chr2-206548087-G-A.
Other names: c.73G>A, p.Asp25Asn (NM_018534.4, NM_201264.2, NM_201266.2 and 2 more transcripts); short protein forms D25N.
Identifiers: ClinVar variation 3350668 (VCV003350668.1).